The following is an entry in ClinVar:

ClinVar aggregate classification (germline): Benign/Likely benign. Review status: criteria provided, multiple submitters, no conflicts (2 of 4 stars). 5 submissions from 5 submitters: Benign (1); Likely benign (4). Last evaluated 2024-12-11.

Conditions:
Classic or attenuated familial adenomatous polyposis. Identifiers: MedGen CN372698, MONDO:0021057.
Hereditary cancer-predisposing syndrome. Also called: Hereditary neoplastic syndrome; Hereditary Cancer Syndrome; Neoplastic Syndromes, Hereditary; Tumor predisposition. Identifiers: Orphanet 140162, MedGen C0027672, MeSH D009386, MONDO:0015356.
Familial adenomatous polyposis 1 (FAP1). Also called: FAMILIAL ADENOMATOUS POLYPOSIS 1, ATTENUATED; POLYPOSIS, ADENOMATOUS INTESTINAL. Identifiers: MedGen C2713442, MONDO:0021056, OMIM 175100. Disease mechanism: loss of function.

Submissions (5):

Labcorp Genetics (formerly Invitae), Labcorp
Classification: Likely benign for Familial adenomatous polyposis 1. Last evaluated: 2024-12-11. Review status: criteria provided, single submitter. Criteria: Invitae Variant Classification Sherloc (09022015). Collection method: clinical testing. Allele origin: germline.

Myriad Genetics, Inc.
Classification: Benign for Familial adenomatous polyposis 1. Last evaluated: 2024-02-27. Review status: criteria provided, single submitter. Criteria: Myriad Autosomal Dominant, Autosomal Recessive and X-Linked Classification Criteria (2023). Collection method: clinical testing. Allele origin: unknown.
Comment: This variant is considered benign. This variant is a silent/synonymous amino acid change and it is not expected to impact splicing.

All of Us Research Program, National Institutes of Health
Classification: Likely benign for Classic or attenuated familial adenomatous polyposis. Last evaluated: 2023-12-18. Review status: criteria provided, single submitter. Criteria: ACMG Guidelines, 2015. Collection method: clinical testing. Allele origin: germline. Inheritance: Autosomal dominant inheritance. Observed: 1 variant allele, 1 heterozygote.
Comment: This study involves interpretation of variants in research participants for the purpose of population health screening. Participant phenotype was not available at the time of variant classification. Additional details can be found in publication PMID: 35346344, PMCID: PMC8962531

Ambry Genetics
Classification: Likely benign for Hereditary cancer-predisposing syndrome. Last evaluated: 2021-09-02. Review status: criteria provided, single submitter. Criteria: Ambry Variant Classification Scheme 2023. Collection method: clinical testing. Allele origin: germline.

GeneDx
Classification: Likely benign. Last evaluated: 2019-02-28. Review status: criteria provided, single submitter. Criteria: GeneDx Variant Classification Process June 2021. Collection method: clinical testing. Allele origin: germline. Affected: yes.

NM_000038.6(APC):c.864A>T (p.Thr288=)

Gene: APC (APC regulator of Wnt signaling pathway; plus strand). Cytogenetic location: 5q22.2.
Variant type: single nucleotide variant.
Coding change: c.864A>T on transcript NM_000038.6 (MANE Select); coding-DNA position 864, A replaced by T.
Protein change: p.Thr288=; no amino-acid change (threonine 288 retained).
Molecular consequence: synonymous variant.
Genome position (GRCh38, 1-based): chr5:112,815,524, A>T. VCF-style: chr5-112815524-A-T. GRCh37 (hg19) VCF-style: chr5-112151221-A-T.
Other names: c.864A>T, p.Thr288= (NM_001127510.3, NM_001354895.2, NM_001354896.2 and 1 more transcripts); c.810A>T, p.Thr270= (NM_001127511.3); c.894A>T, p.Thr298= (NM_001354897.2, NM_001354902.2); c.789A>T, p.Thr263= (NM_001354898.2, NM_001354904.2); c.780A>T, p.Thr260= (NM_001354899.2); c.687A>T, p.Thr229= (NM_001354900.2, NM_001354901.2, NM_001354905.2); c.15A>T, p.Thr5= (NM_001354906.2).
Identifiers: ClinVar variation 1114450 (VCV001114450.15), dbSNP rs1580511694, ClinGen allele CA445755686.